The following is an entry in ClinVar:

ClinVar aggregate classification (germline): Uncertain significance (1 of 4 stars; one submission).

Conditions:
Primary ciliary dyskinesia 33. Also called: CILIARY DYSKINESIA, PRIMARY, 33, WITHOUT SITUS INVERSUS. Identifiers: Orphanet 244, MedGen C4225230, MONDO:0014750, OMIM 616726.

Submission:

Labcorp Genetics (formerly Invitae), Labcorp
Classification: Uncertain significance for Primary ciliary dyskinesia 33. Last evaluated: 2022-06-27. Review status: criteria provided, single submitter. Criteria: Invitae Variant Classification Sherloc (09022015). Collection method: clinical testing. Allele origin: germline.
Comment: In summary, the available evidence is currently insufficient to determine the role of this variant in disease. Therefore, it has been classified as a Variant of Uncertain Significance. Algorithms developed to predict the effect of missense changes on protein structure and function are either unavailable or do not agree on the potential impact of this missense change (SIFT: "Deleterious"; PolyPhen-2: "Benign"; Align-GVGD: "Class C0"). This variant has not been reported in the literature in individuals affected with GAS8-related conditions. This variant is not present in population databases (gnomAD no frequency). This sequence change replaces asparagine, which is neutral and polar, with histidine, which is basic and polar, at codon 111 of the GAS8 protein (p.Asn111His).

NM_001481.3(DRC4):c.331A>C (p.Asn111His)

Gene: DRC4 (dynein regulatory complex subunit 4; plus strand). Cytogenetic location: 16q24.3.
Variant type: single nucleotide variant.
Coding change: c.331A>C on transcript NM_001481.3 (MANE Select); coding-DNA position 331, A replaced by C.
Protein change: p.Asn111His; replaces asparagine 111 with histidine.
Molecular consequence: missense variant. On other transcripts: 5 prime UTR variant (1).
Genome position (GRCh38, 1-based): chr16:90,032,760, A>C. VCF-style: chr16-90032760-A-C. GRCh37 (hg19) VCF-style: chr16-90099168-A-C.
Other names: c.82A>C, p.Asn28His (NM_001286205.2); c.-191A>C (NM_001286208.2); c.256A>C, p.Asn86His (NM_001286209.2); short protein forms N111H, N86H, N28H.
Identifiers: ClinVar variation 2000018 (VCV002000018.4), dbSNP rs2543472541, ClinGen allele CA397462168.